The following is an entry in ClinVar:

ClinVar aggregate classification (germline): Benign (1 of 4 stars; one submission).

Allele frequency attached by ClinVar (database versions not stated): gnomAD 0.06309 and 0.06753; TOPMed 0.07119; 1000 Genomes Project 0.07668; 1000 Genomes Project 30x 0.08245.
gnomAD v4.1: 9,521 of 152,204 alleles (6.3%); highest among the groups gnomAD compares: African/African-American, 22%; 1,026 homozygotes.

Submission:

GeneDx
Classification: Benign. Last evaluated: 2018-06-19. Review status: criteria provided, single submitter. Criteria: GeneDx Variant Classification (06012015). Collection method: clinical testing. Allele origin: germline. Affected: yes.
Comment: This variant is considered likely benign or benign based on one or more of the following criteria: it is a conservative change, it occurs at a poorly conserved position in the protein, it is predicted to be benign by multiple in silico algorithms, and/or has population frequency not consistent with disease.

NM_001330078.2(NRXN1):c.2879+231T>C

Gene: NRXN1 (neurexin 1; minus strand). Cytogenetic location: 2p16.3.
Variant type: single nucleotide variant.
Coding change: c.2879+231T>C on transcript NM_001330078.2 (MANE Select); 231 bases into the intron after coding-DNA position 2879, T replaced by C.
Molecular consequence: intron variant.
Genome position (GRCh38, 1-based): chr2:50,497,102, A>G on the plus strand (T>C on the coding strand, the complement: NRXN1 is on the minus strand). VCF-style: chr2-50497102-A-G. GRCh37 (hg19) VCF-style: chr2-50724240-A-G.
Other names: c.2768+231T>C (NM_001330096.2, NM_001330087.2); c.2813+231T>C (NM_001330083.2, NM_001330084.2); c.2798+231T>C (NM_001330088.2); c.2876+231T>C (NM_001330093.2); c.2867+231T>C (NM_001330094.2); c.2828+231T>C (NM_001330095.2); c.2855+231T>C (NM_001330082.2, NM_001330077.2); c.2852+231T>C (NM_001330085.2); and 2 more.
Identifiers: ClinVar variation 673012 (VCV000673012.1), dbSNP rs13386159, ClinGen allele CA47360205.